The following is an entry in ClinVar:

ClinVar aggregate classification (germline): Uncertain significance. Review status: criteria provided, multiple submitters, no conflicts (2 of 4 stars). 2 submissions from 2 submitters: Uncertain significance (2). Last evaluated 2025-04-12.

Conditions:
Cardiovascular phenotype. Identifiers: MedGen CN230736.
Sitosterolemia 2. Identifiers: MedGen C5231453, MONDO:0020748, OMIM 618666.

gnomAD v4.1: 6 of 1,614,088 alleles (0.00037%); highest among the groups gnomAD compares: African/African-American, 0.008%; no homozygotes.

Submissions (2):

Ambry Genetics
Classification: Uncertain significance for Cardiovascular phenotype. Last evaluated: 2025-04-12. Review status: criteria provided, single submitter. Criteria: Ambry Variant Classification Scheme 2023. Collection method: clinical testing. Allele origin: germline.
Comment: The p.S475N variant (also known as c.1424G>A), located in coding exon 10 of the ABCG5 gene, results from a G to A substitution at nucleotide position 1424. The serine at codon 475 is replaced by asparagine, an amino acid with highly similar properties. This amino acid position is conserved. In addition, this alteration is predicted to be tolerated by in silico analysis. Based on the available evidence, the clinical significance of this variant remains unclear.

Revvity Omics, Revvity
Classification: Uncertain significance for Sitosterolemia 2. Last evaluated: 2024-03-25. Review status: criteria provided, single submitter. Criteria: ACMG Guidelines, 2015. Collection method: clinical testing. Allele origin: germline.

NM_022436.3(ABCG5):c.1424G>A (p.Ser475Asn)

Genes: ABCG5 (ATP binding cassette subfamily G member 5; minus strand), DYNC2LI1 (dynein cytoplasmic 2 light intermediate chain 1; plus strand). Cytogenetic location: 2p21.
Variant type: single nucleotide variant.
Coding change: c.1424G>A on transcript NM_022436.3 (MANE Select); coding-DNA position 1424, G replaced by A.
Protein change: p.Ser475Asn; replaces serine 475 with asparagine.
Molecular consequence: missense variant. On other transcripts: intron variant (2).
Genome position (GRCh38, 1-based): chr2:43,822,836, C>T on the plus strand (G>A on the coding strand, the complement: ABCG5 is on the minus strand). VCF-style: chr2-43822836-C-T. GRCh37 (hg19) VCF-style: chr2-44049975-C-T.
Other names: c.*16-4550C>T (NM_001348913.2, NM_001348912.2); short protein forms S475N.
Identifiers: ClinVar variation 3992548 (VCV003992548.2).